The following is an entry in ClinVar:

ClinVar aggregate classification (germline): Uncertain significance (1 of 4 stars; one submission).

Conditions:
Autosomal dominant hypocalcemia 1 (HYPOC1). Also called: HYPOCALCEMIA, FAMILIAL. Identifiers: MedGen C3715128, MONDO:0011013, OMIM 601198.
Familial hypocalciuric hypercalcemia (FHH). Also called: Familial benign hypercalcemia. Identifiers: Orphanet 405, MedGen C1809471, MONDO:0018458.

Allele frequency attached by ClinVar (database versions not stated): TOPMed below 0.00001.
gnomAD v4.1: 2 of 1,613,414 alleles (0.00012%); highest among the groups gnomAD compares: Non-Finnish European, 0.00017%; no homozygotes.

Submission:

Labcorp Genetics (formerly Invitae), Labcorp
Classification: Uncertain significance for Familial hypocalciuric hypercalcemia; Autosomal dominant hypocalcemia 1. Last evaluated: 2023-07-20. Review status: criteria provided, single submitter. Criteria: Invitae Variant Classification Sherloc (09022015). Collection method: clinical testing. Allele origin: germline.
Comment: This variant disrupts the p.Arg465 amino acid residue in CASR. Other variant(s) that disrupt this residue have been determined to be pathogenic (PMID: 16598859, 26646938, 26963950, 28176280, 30407919; Invitae). This suggests that this residue is clinically significant, and that variants that disrupt this residue are likely to be disease-causing. In summary, the available evidence is currently insufficient to determine the role of this variant in disease. Therefore, it has been classified as a Variant of Uncertain Significance. An algorithm developed to predict the effect of missense changes on protein structure and function (PolyPhen-2) suggests that this variant is likely to be tolerated. This variant has not been reported in the literature in individuals affected with CASR-related conditions. This variant is not present in population databases (gnomAD no frequency). This sequence change replaces arginine, which is basic and polar, with leucine, which is neutral and non-polar, at codon 465 of the CASR protein (p.Arg465Leu).

Literature cited by the submitters: PubMed 16598859; PubMed 26646938; PubMed 26963950; PubMed 28176280; PubMed 30407919.

NM_000388.4(CASR):c.1394G>T (p.Arg465Leu)

Gene: CASR (calcium sensing receptor; plus strand). Cytogenetic location: 3q21.1.
Variant type: single nucleotide variant.
Coding change: c.1394G>T on transcript NM_000388.4 (MANE Select); coding-DNA position 1394, G replaced by T.
Protein change: p.Arg465Leu; replaces arginine 465 with leucine.
Molecular consequence: missense variant.
Genome position (GRCh38, 1-based): chr3:122,275,828, G>T. VCF-style: chr3-122275828-G-T. GRCh37 (hg19) VCF-style: chr3-121994675-G-T.
Other names: c.1394G>T, p.Arg465Leu (NM_001178065.2); short protein forms R465L.
Identifiers: ClinVar variation 2950144 (VCV002950144.3), dbSNP rs104893716, ClinGen allele CA354154832.